The following is an entry in ClinVar:

NM_024939.3(ESRP2):c.1516C>T (p.Arg506Trp)

Gene: ESRP2 (epithelial splicing regulatory protein 2; minus strand). Cytogenetic location: 16q22.1.
Variant type: single nucleotide variant.
Coding change: c.1516C>T on transcript NM_024939.3 (MANE Select); coding-DNA position 1516, C replaced by T.
Protein change: p.Arg506Trp; replaces arginine 506 with tryptophan.
Molecular consequence: missense variant.
Genome position (GRCh38, 1-based): chr16:68,231,373, G>A on the plus strand (C>T on the coding strand, the complement: ESRP2 is on the minus strand). VCF-style: chr16-68231373-G-A. GRCh37 (hg19) VCF-style: chr16-68265276-G-A.
Other names: c.1546C>T, p.Arg516Trp (NM_001365264.1); c.1516C>T, p.Arg506Trp (NM_001365265.1); short protein forms R506W, R516W.
Identifiers: ClinVar variation 3510423 (VCV003510423.2).

ClinVar aggregate classification (germline): Uncertain significance. Review status: criteria provided, multiple submitters, no conflicts (2 of 4 stars). 2 submissions from 2 submitters: Uncertain significance (2). Last evaluated 2026-02-24.

Conditions:
ESRP2-related disorder. Also called: ESRP2-related condition.

gnomAD v4.1: 118 of 1,613,972 alleles (0.0073%); highest among the groups gnomAD compares: Middle Eastern, 0.25%; no homozygotes.

Submissions (2):

PreventionGenetics, part of Exact Sciences
Classification: Uncertain significance for ESRP2-related condition. Last evaluated: 2026-02-24. Review status: criteria provided, single submitter. Criteria: ACMG Guidelines, 2015. Collection method: clinical testing. Allele origin: germline.
Comment: The ESRP2 c.1546C>T variant is predicted to result in the amino acid substitution p.Arg516Trp. To our knowledge, this variant has not been reported in the literature. This variant is reported in 0.029% of alleles in individuals of South Asian descent in gnomAD. Although we suspect that this variant may be benign, at this time, the clinical significance of this variant is uncertain due to the absence of conclusive functional and genetic evidence.

Ambry Genetics
Classification: Uncertain significance. Last evaluated: 2024-07-30. Review status: criteria provided, single submitter. Criteria: Ambry Variant Classification Scheme 2023. Collection method: clinical testing. Allele origin: germline.